The following is an entry in ClinVar:

ClinVar aggregate classification (germline): Uncertain significance (1 of 4 stars; one submission).

Submission:

Ambry Genetics
Classification: Uncertain significance. Last evaluated: 2024-03-14. Review status: criteria provided, single submitter. Criteria: Ambry Variant Classification Scheme 2023. Collection method: clinical testing. Allele origin: germline.
Comment: The p.C606Y variant (also known as c.1817G>A), located in coding exon 14 of the RECQL gene, results from a G to A substitution at nucleotide position 1817. The cysteine at codon 606 is replaced by tyrosine, an amino acid with highly dissimilar properties. This amino acid position is conserved. In addition, this alteration is predicted to be tolerated by in silico analysis. Based on the available evidence, the clinical significance of this alteration remains unclear.

NM_002907.4(RECQL):c.1817G>A (p.Cys606Tyr)

Genes: PYROXD1 (pyridine nucleotide-disulphide oxidoreductase domain 1; plus strand), RECQL (RecQ like helicase; minus strand). Cytogenetic location: 12p12.1.
Variant type: single nucleotide variant.
Coding change: c.1817G>A on transcript NM_002907.4 (MANE Select); coding-DNA position 1817, G replaced by A.
Protein change: p.Cys606Tyr; replaces cysteine 606 with tyrosine.
Molecular consequence: missense variant. On other transcripts: 3 prime UTR variant (3).
Genome position (GRCh38, 1-based): chr12:21,470,327, C>T on the plus strand (G>A on the coding strand, the complement: RECQL is on the minus strand). VCF-style: chr12-21470327-C-T. GRCh37 (hg19) VCF-style: chr12-21623261-C-T.
Other names: c.1817G>A, p.Cys606Tyr (NM_032941.3); c.*1573C>T (NM_001350912.2, NM_001350913.2, NM_024854.5); short protein forms C606Y.
Identifiers: ClinVar variation 3222957 (VCV003222957.1), dbSNP rs1191345404, ClinGen allele CA384114022.
Genomic context (GRCh38, chr12:21,470,327, plus strand): 5'-TTCTTCTGGAAGTTGCCTGAATTTTTTTCCTCCATCTTTTTATCACCTTGTTCAGAATGA[C>T]AAGTTTGAGACGATTCAGCCTACAAAAAAAAAAAAAAAACAAAGCAAGCACCTTGGTAAA-3'
Protein context (NP_002898.2, residues 596-616): NSFRAESSQT[Cys606Tyr]HSEQGDKKME